The following is an entry in ClinVar:

NM_014915.3(ANKRD26):c.187C>G (p.Gln63Glu)

Gene: ANKRD26 (ankyrin repeat domain 26; minus strand). Cytogenetic location: 10p12.1.
Variant type: single nucleotide variant.
Coding change: c.187C>G on transcript NM_014915.3 (MANE Select); coding-DNA position 187, C replaced by G.
Protein change: p.Gln63Glu; replaces glutamine 63 with glutamic acid.
Molecular consequence: missense variant.
Genome position (GRCh38, 1-based): chr10:27,100,140, G>C on the plus strand (C>G on the coding strand, the complement: ANKRD26 is on the minus strand). VCF-style: chr10-27100140-G-C. GRCh37 (hg19) VCF-style: chr10-27389069-G-C.
Other names: c.187C>G, p.Gln63Glu (NM_001256053.2); short protein forms Q63E.
Identifiers: ClinVar variation 2169029 (VCV002169029.9), dbSNP rs372266548, ClinGen allele CA5449033.

ClinVar aggregate classification (germline): Uncertain significance. Review status: criteria provided, multiple submitters, no conflicts (2 of 4 stars). 3 submissions from 3 submitters: Uncertain significance (3). Last evaluated 2025-08-07.

Conditions:
Inborn genetic diseases. Identifiers: MedGen C0950123, MeSH D030342.

Allele frequency attached by ClinVar (database versions not stated): gnomAD exomes 0.00001; ExAC 0.00003; gnomAD 0.00015; TOPMed 0.00015; ESP Exome Variant Server 0.00016; 1000 Genomes Project 30x 0.00031; 1000 Genomes Project 0.00040.
gnomAD v4.1: 43 of 1,614,134 alleles (0.0027%); highest among the groups gnomAD compares: African/African-American, 0.056%; no homozygotes.

Submissions (3):

Labcorp Genetics (formerly Invitae), Labcorp
Classification: Uncertain significance. Last evaluated: 2025-08-07. Review status: criteria provided, single submitter. Criteria: Invitae Variant Classification Sherloc (09022015). Collection method: clinical testing. Allele origin: germline.
Comment: This sequence change replaces glutamine, which is neutral and polar, with glutamic acid, which is acidic and polar, at codon 63 of the ANKRD26 protein (p.Gln63Glu). This variant is present in population databases (rs372266548, gnomAD 0.04%). This variant has not been reported in the literature in individuals affected with ANKRD26-related conditions. ClinVar contains an entry for this variant (Variation ID: 2169029). An algorithm developed to predict the effect of missense changes on protein structure and function (PolyPhen-2) suggests that this variant is likely to be tolerated. In summary, the available evidence is currently insufficient to determine the role of this variant in disease. Therefore, it has been classified as a Variant of Uncertain Significance.

Ambry Genetics
Classification: Uncertain significance for Inborn genetic diseases. Last evaluated: 2025-08-05. Review status: criteria provided, single submitter. Criteria: Ambry Variant Classification Scheme 2023. Collection method: clinical testing. Allele origin: germline.

GeneDx
Classification: Uncertain significance. Last evaluated: 2024-01-19. Review status: criteria provided, single submitter. Criteria: GeneDx Variant Classification Process June 2021. Collection method: clinical testing. Allele origin: germline. Affected: yes.
Comment: In silico analysis supports that this missense variant does not alter protein structure/function; Has not been previously published as pathogenic or benign to our knowledge